The following is an entry in ClinVar:

ClinVar aggregate classification (germline): Likely pathogenic (0 of 4 stars; one submission).

Conditions:
CKAP2L-related disorder. Also called: CKAP2L-related condition.

gnomAD v4.1: 1 of 1,613,110 alleles (0.000062%); highest among the groups gnomAD compares: Non-Finnish European, 0.000085%; no homozygotes.

Submission:

PreventionGenetics, part of Exact Sciences
Classification: Likely pathogenic for CKAP2L-related condition. Last evaluated: 2024-08-23. Review status: no assertion criteria provided. Collection method: clinical testing. Allele origin: germline.
Comment: The CKAP2L c.40G>T variant is predicted to result in premature protein termination (p.Glu14*). To our knowledge, this variant has not been reported in the literature or in a large population database, indicating this variant is rare. Nonsense variants in CKAP2L are expected to be pathogenic. This variant is interpreted as likely pathogenic.

NM_152515.5(CKAP2L):c.40G>T (p.Glu14Ter)

Gene: CKAP2L (cytoskeleton associated protein 2 like; minus strand). Cytogenetic location: 2q14.1.
Variant type: single nucleotide variant.
Coding change: c.40G>T on transcript NM_152515.5 (MANE Select); coding-DNA position 40, G replaced by T.
Protein change: p.Glu14Ter; replaces glutamic acid 14 with a stop codon.
Molecular consequence: nonsense. On other transcripts: 5 prime UTR variant (1), non-coding transcript variant (1).
Genome position (GRCh38, 1-based): chr2:112,762,567, C>A on the plus strand (G>T on the coding strand, the complement: CKAP2L is on the minus strand). VCF-style: chr2-112762567-C-A. GRCh37 (hg19) VCF-style: chr2-113520144-C-A.
Other names: c.-397G>T (NM_001304361.2); short protein forms E14*.
Identifiers: ClinVar variation 3351265 (VCV003351265.1).